The following is an entry in ClinVar:

ClinVar aggregate classification (germline): Uncertain significance. Review status: criteria provided, multiple submitters, no conflicts (2 of 4 stars). 2 submissions from 2 submitters: Uncertain significance (2). Last evaluated 2024-10-16.

Conditions:
Neuropathy, hereditary sensory, type 2C. Also called: KIF1A-Related HSAN2 (HSAN2C); Hereditary sensory and autonomic neuropathy type IIC. Identifiers: Orphanet 970, MedGen C3280168, MONDO:0013634, OMIM 614213.
Intellectual disability, autosomal dominant 9 (NESCAVS). Also called: NESCAV SYNDROME; KIF1A-Related Neurodevelopmental Disorder. Identifiers: Orphanet 662367, MedGen C5393830, MONDO:0013656, OMIM 614255.
Hereditary spastic paraplegia 30. Identifiers: Orphanet 101010, MedGen C5235139, MONDO:0012476.

Allele frequency attached by ClinVar (database versions not stated): 1000 Genomes Project 30x 0.00016; 1000 Genomes Project 0.00020; gnomAD 0.00001 and 0.00002; gnomAD exomes 0.00001 and 0.00002; TOPMed 0.00001; ExAC 0.00002.
gnomAD v4.1: 26 of 1,613,904 alleles (0.0016%); highest among the groups gnomAD compares: East Asian, 0.0022%; no homozygotes.

Submissions (2):

Labcorp Genetics (formerly Invitae), Labcorp
Classification: Uncertain significance for Hereditary spastic paraplegia 30; Neuropathy, hereditary sensory, type 2C; Intellectual disability, autosomal dominant 9. Last evaluated: 2024-10-16. Review status: criteria provided, single submitter. Criteria: Invitae Variant Classification Sherloc (09022015). Collection method: clinical testing. Allele origin: germline.
Comment: This sequence change replaces valine, which is neutral and non-polar, with isoleucine, which is neutral and non-polar, at codon 873 of the KIF1A protein (p.Val873Ile). This variant is present in population databases (rs577997489, gnomAD 0.007%). This variant has not been reported in the literature in individuals affected with KIF1A-related conditions. ClinVar contains an entry for this variant (Variation ID: 640892). Invitae Evidence Modeling of protein sequence and biophysical properties (such as structural, functional, and spatial information, amino acid conservation, physicochemical variation, residue mobility, and thermodynamic stability) has been performed for this missense variant. However, the output from this modeling did not meet the statistical confidence thresholds required to predict the impact of this variant on KIF1A protein function. In summary, the available evidence is currently insufficient to determine the role of this variant in disease. Therefore, it has been classified as a Variant of Uncertain Significance.

Revvity Omics, Revvity
Classification: Uncertain significance. Last evaluated: 2019-12-11. Review status: criteria provided, single submitter. Criteria: ACMG Guidelines, 2015. Collection method: clinical testing. Allele origin: germline.

NM_001244008.2(KIF1A):c.2920G>A (p.Val974Ile)

Gene: KIF1A (kinesin family member 1A; minus strand). Cytogenetic location: 2q37.3.
Variant type: single nucleotide variant.
Coding change: c.2920G>A on transcript NM_001244008.2 (MANE Select); coding-DNA position 2920, G replaced by A.
Protein change: p.Val974Ile; replaces valine 974 with isoleucine.
Molecular consequence: missense variant.
Genome position (GRCh38, 1-based): chr2:240,750,486, C>T on the plus strand (G>A on the coding strand, the complement: KIF1A is on the minus strand). VCF-style: chr2-240750486-C-T. GRCh37 (hg19) VCF-style: chr2-241689903-C-T.
Other names: c.2644G>A, p.Val882Ile (NM_001320705.2, NM_001330289.2, NM_001379638.1); c.2719G>A, p.Val907Ile (NM_001330290.2, NM_001379634.1, NM_001379635.1 and 1 more transcripts); c.2995G>A, p.Val999Ile (NM_001379631.1); c.2869G>A, p.Val957Ile (NM_001379632.1); c.2893G>A, p.Val965Ile (NM_001379633.1, NM_001379642.1, NM_001379645.1); c.2617G>A, p.Val873Ile (NM_001379636.1, NM_001379639.1, NM_001379640.1 and 6 more transcripts); c.2692G>A, p.Val898Ile (NM_001379637.1, NM_001379648.1); c.2617G>A (NM_004321.7); short protein forms V882I, V974I, V907I, V873I, V898I, V957I, V965I, V999I.
Identifiers: ClinVar variation 640892 (VCV000640892.13), dbSNP rs577997489, ClinGen allele CA2207983.